The following is an entry in ClinVar:

NM_172107.4(KCNQ2):c.1302-20_1302-19insCTGTCTGC

Gene: KCNQ2 (potassium voltage-gated channel subfamily Q member 2; minus strand). Cytogenetic location: 20q13.33.
Variant type: Insertion.
Coding change: c.1302-20_1302-19insCTGTCTGC on transcript NM_172107.4 (MANE Select); 20 bases into the intron before coding-DNA position 1302 through 19 bases into the intron before coding-DNA position 1302, CTGTCTGC inserted.
Molecular consequence: intron variant.
Genome position: GRCh38 VCF-style: chr20-63415145-A-ACAGACAGG. GRCh37 (hg19) VCF-style: chr20-62046498-A-ACAGACAGG.
Other names: c.1218-20_1218-19insCTGTCTGC (NM_004518.6); c.1248-56_1248-55insCTGTCTGC (NM_172108.5); c.1248-20_1248-19insCTGTCTGC (NM_172106.3).
Identifiers: ClinVar variation 205837 (VCV000205837.2), dbSNP rs796052609, ClinGen allele CA315299.

ClinVar aggregate classification (germline): Benign (1 of 4 stars; one submission).

Submission:

GeneDx
Classification: Benign. Last evaluated: 2013-10-22. Review status: criteria provided, single submitter. Criteria: GeneDx Variant Classification (06012015). Collection method: clinical testing. Allele origin: germline. Affected: yes.
Comment: The variant is found in EPILEPSY,INFANT-EPI panel(s).